The following is an entry in ClinVar:

NM_000094.4(COL7A1):c.1613G>A (p.Arg538His)

Gene: COL7A1 (collagen type VII alpha 1 chain; minus strand). Cytogenetic location: 3p21.31.
Variant type: single nucleotide variant.
Coding change: c.1613G>A on transcript NM_000094.4 (MANE Select); coding-DNA position 1613, G replaced by A.
Protein change: p.Arg538His; replaces arginine 538 with histidine.
Molecular consequence: missense variant.
Genome position (GRCh38, 1-based): chr3:48,591,487, C>T on the plus strand (G>A on the coding strand, the complement: COL7A1 is on the minus strand). VCF-style: chr3-48591487-C-T. GRCh37 (hg19) VCF-style: chr3-48628920-C-T.
Other names: short protein forms R538H.
Identifiers: ClinVar variation 345872 (VCV000345872.33), dbSNP rs138791004, ClinGen allele CA2381170.

ClinVar aggregate classification (germline): Conflicting classifications of pathogenicity. Review status: criteria provided, conflicting classifications (1 of 4 stars). 7 submissions from 7 submitters: Uncertain significance (1); Likely benign (3). 3 of the submissions do not count toward it. Last evaluated 2026-02-04.

Conditions:
Epidermolysis bullosa dystrophica. Also called: Dystrophic epidermolysis bullosa, Hallopeau-Siemens type (formerly); Dystrophic epidermolysis bullosa. Identifiers: Orphanet 303, MedGen C0079294, MONDO:0006543.
COL7A1-related disorder. Also called: COL7A1- related disorders; COL7A1-related condition.

Allele frequency attached by ClinVar (database versions not stated): gnomAD 0.00143 and 0.00138; TOPMed 0.00143; gnomAD exomes 0.00149; ExAC 0.00156; ESP Exome Variant Server 0.00169; 1000 Genomes Project 30x 0.00031; 1000 Genomes Project 0.00040.
gnomAD v4.1: 3,864 of 1,613,928 alleles (0.24%); highest among the groups gnomAD compares: Non-Finnish European, 0.3%; 7 homozygotes.

Submissions (7):

Labcorp Genetics (formerly Invitae), Labcorp
Classification: Likely benign. Last evaluated: 2026-02-04. Review status: criteria provided, single submitter. Criteria: Invitae Variant Classification Sherloc (09022015). Collection method: clinical testing. Allele origin: germline.

CeGaT Center for Human Genetics Tuebingen
Classification: Likely benign. Last evaluated: 2025-03-01. Review status: criteria provided, single submitter. Criteria: CeGaT Center For Human Genetics Tuebingen Variant Classification Criteria Version 2. Collection method: clinical testing. Allele origin: germline. Affected: yes. Observed: 3 variant alleles.
Comment: COL7A1: BP4

Blueprint Genetics
Classification: Likely benign. Last evaluated: 2024-11-19. Review status: criteria provided, single submitter. Criteria: ACMG Guidelines, 2015. Collection method: clinical testing. Allele origin: germline.

Illumina Laboratory Services, Illumina
Classification: Uncertain significance for Dystrophic epidermolysis bullosa. Last evaluated: 2018-01-12. Review status: criteria provided, single submitter. Criteria: ICSL Variant Classification Criteria 13 December 2019. Collection method: clinical testing. Allele origin: germline.

PreventionGenetics, part of Exact Sciences
Classification: Likely benign for COL7A1-related condition. Last evaluated: 2023-11-07. Review status: no assertion criteria provided. Collection method: clinical testing. Allele origin: germline. Not counted in ClinVar's aggregate classification.
Comment: This variant is classified as likely benign based on ACMG/AMP sequence variant interpretation guidelines (Richards et al. 2015 PMID: 25741868, with internal and published modifications).

Natera, Inc.
Classification: Uncertain significance for Dystrophic epidermolysis bullosa. Last evaluated: 2019-10-28. Review status: no assertion criteria provided. Collection method: clinical testing. Allele origin: germline. Not counted in ClinVar's aggregate classification.

Department of Pathology and Laboratory Medicine, Sinai Health System
Classification: Uncertain significance. Review status: no assertion criteria provided. Collection method: clinical testing. Allele origin: unknown. Affected: yes. Study: The Canadian Open Genetics Repository (COGR). Not counted in ClinVar's aggregate classification.
Comment: The COL7A1 p.Arg538His variant was identified in 7 of 3352 proband chromosomes (freq: 0.002) from individuals with Age-related Macular Degeneration and 2 of 1490 contorl chromosomes (freq: 0.001) (Seddon_2013_PMID:24036952). The variant was also identified in dbSNP (ID: rs138791004), ClinVar (classified as a VUS by Illumina) and Cosmic (found somatically in kidney tumour tissue). The variant was identified in control databases in 410 of 282430 chromosomes at a frequency of 0.001452 increasing the likelihood this could be a low frequency benign variant (Genome Aggregation Database Feb 27, 2017). The variant was observed in the following populations: European (non-Finnish) in 330 of 128948 chromosomes (freq: 0.002559), Other in 9 of 7212 chromosomes (freq: 0.001248), South Asian in 35 of 30604 chromosomes (freq: 0.001144), Ashkenazi Jewish in 9 of 10338 chromosomes (freq: 0.000871), African in 11 of 24922 chromosomes (freq: 0.000441), European (Finnish) in 7 of 25048 chromosomes (freq: 0.00028) and Latino in 9 of 35410 chromosomes (freq: 0.000254); it was not observed in the East Asian population. The p.Arg538His residue is not conserved in mammals and four out of five computational analyses (SIFT, AlignGVGD, BLOSUM, MutationTaster) do not suggest a high likelihood of impact to the protein; however, this information is not predictive enough to rule out pathogenicity. The variant occurs outside of the splicing consensus sequence and in silico or computational prediction software programs (SpliceSiteFinder, MaxEntScan, NNSPLICE, GeneSplicer) do not predict a difference in splicing. In summary, based on the above information the clinical significance of this variant cannot be determined with certainty at this time. This variant is classified as a variant of uncertain significance.